The following is an entry in ClinVar:

ClinVar aggregate classification (germline): Likely pathogenic (1 of 4 stars; one submission).

Conditions:
Mucopolysaccharidosis, MPS-II (MPS2). Also called: Mucopolysaccharidosis type 2; IDS deficiency; Sulfoiduronate sulfatase deficiency; SIDS deficiency; Attenuated MPS (subtype; formerly known as mild MPS II); Severe MPS II. Identifiers: Orphanet 580, Orphanet 79388, MedGen C0026705, MONDO:0010674, OMIM 309900.

Submission:

Myriad Genetics, Inc.
Classification: Likely pathogenic for Mucopolysaccharidosis, MPS-II. Last evaluated: 2022-01-02. Review status: criteria provided, single submitter. Criteria: Myriad Women's Health Autosomal Recessive and X-Linked Classification Criteria (2021). Collection method: clinical testing. Allele origin: unknown.
Comment: NM_000202.5(IDS):c.741_743delCACinsTA(L249Wfs*31) is expected to be pathogenic in the context of mucopolysaccharidosis type II. This variant is predicted to lead to an abnormal or absent protein product due to the creation of a premature termination codon in IDS, a gene where loss-of-function variants are known to be pathogenic. Please note: this variant was assessed in the context of healthy population screening.

NM_000202.8(IDS):c.741_743delinsTA (p.Leu249fs)

Genes: IDS (iduronate 2-sulfatase; minus strand), LOC106050102 (IDS recombination region; plus strand). Cytogenetic location: Xq28.
Variant type: Indel.
Coding change: c.741_743delinsTA on transcript NM_000202.8 (MANE Select); coding-DNA positions 741 to 743, CAC replaced by TA.
Protein change: p.Leu249fs; shifts the reading frame from leucine 249.
Molecular consequence: frameshift variant. On other transcripts: non-coding transcript variant (1).
Genome position (GRCh38, 1-based): chrX:149,496,482-149,496,484, GTG replaced by TA on the plus strand (CAC replaced by TA on the coding strand, the reverse complement: IDS is on the minus strand). VCF-style: chrX-149496482-GTG-TA. GRCh37 (hg19) VCF-style: chrX-148578013-GTG-TA.
Other names: c.471_473delinsTA, p.Leu159fs (NM_001166550.4); c.741_743delinsTA, p.Leu249fs (NM_006123.5); short protein forms L159fs, L249fs.
Identifiers: ClinVar variation 1726758 (VCV001726758.2), dbSNP rs2520852344, ClinGen allele CA2580101613.